The following is an entry in ClinVar:

ClinVar aggregate classification (germline): Pathogenic. Review status: criteria provided, single submitter (1 of 4 stars). 2 submissions from 2 submitters: Pathogenic (1). 1 of the submissions does not count toward it. Last evaluated 2022-04-25.

Conditions:
Retinal dystrophy. Also called: Inherited retinal dystrophy. Identifiers: Orphanet 71862, MedGen C0854723, MeSH D058499, MONDO:0019118, HP:0000556.
Primary ciliary dyskinesia. Also called: Ciliary dyskinesia. Identifiers: Orphanet 244, MedGen C0008780, MONDO:0016575, HP:0012265.

Submissions (2):

Labcorp Genetics (formerly Invitae), Labcorp
Classification: Pathogenic for Primary ciliary dyskinesia. Last evaluated: 2022-04-25. Review status: criteria provided, single submitter. Criteria: Invitae Variant Classification Sherloc (09022015). Collection method: clinical testing. Allele origin: germline.
Comment: For these reasons, this variant has been classified as Pathogenic. This variant disrupts a region of the RPGR (ORF15) protein in which other variant(s) (p.Leu1130Lysfs*13 (also known as ORF15+1635-1636delTT)) have been determined to be pathogenic (PMID: 22264887; Invitae). This suggests that this is a clinically significant region of the protein, and that variants that disrupt it are likely to be disease-causing. This variant has not been reported in the literature in individuals affected with RPGR (ORF15)-related conditions. This variant is not present in population databases (gnomAD no frequency). This sequence change creates a premature translational stop signal (p.Glu829*) in the RPGR (ORF15) gene. While this is not anticipated to result in nonsense mediated decay, it is expected to disrupt the last 324 amino acid(s) of the RPGR (ORF15) protein.

Institute of Human Genetics, Univ. Regensburg, Univ. Regensburg
Classification: Pathogenic for Retinal dystrophy. Last evaluated: 2021-01-01. Review status: no assertion criteria provided. Criteria: ACMG Guidelines, 2015. Collection method: clinical testing. Allele origin: germline. Affected: yes. Not counted in ClinVar's aggregate classification.

Literature cited by the submitters: PubMed 22264887 (cited by Labcorp Genetics (formerly Invitae), Labcorp).

NM_001034853.2(RPGR):c.2485G>T (p.Glu829Ter)

Gene: RPGR (retinitis pigmentosa GTPase regulator; minus strand). Cytogenetic location: Xp11.4.
Variant type: single nucleotide variant.
Coding change: c.2485G>T on transcript NM_001034853.2 (MANE Select); coding-DNA position 2485, G replaced by T.
Protein change: p.Glu829Ter; replaces glutamic acid 829 with a stop codon.
Molecular consequence: nonsense. On other transcripts: intron variant (8).
Genome position (GRCh38, 1-based): chrX:38,286,514, C>A on the plus strand (G>T on the coding strand, the complement: RPGR is on the minus strand). VCF-style: chrX-38286514-C-A. GRCh37 (hg19) VCF-style: chrX-38145767-C-A.
Other names: c.1569+4445G>T (NM_001367249.1, NM_001367250.1); c.1902+580G>T (NM_001367245.1); c.1386+4445G>T (NM_001367251.1); c.1719+580G>T (NM_001367246.1); c.1572+4445G>T (NM_001367247.1); c.1905+580G>T (NM_000328.3); c.1602+4445G>T (NM_001367248.1); short protein forms E829*.
Identifiers: ClinVar variation 2130687 (VCV002130687.5), dbSNP rs2519790535, ClinGen allele CA412730530.